The following is an entry in ClinVar:

ClinVar aggregate classification (germline): Uncertain significance. Review status: criteria provided, multiple submitters, no conflicts (2 of 4 stars). 2 submissions from 2 submitters: Uncertain significance (2). Last evaluated 2025-09-02.

Conditions:
Cataract 19 multiple types. Also called: CATARACT 19, CORTICAL PULVERULENT; CATARACT 19, CONGENITAL TOTAL. Identifiers: Orphanet 91492, MedGen C3809004, MONDO:0014111, OMIM 615277.

Allele frequency attached by ClinVar (database versions not stated): ExAC 0.00004; gnomAD exomes 0.00004; TOPMed 0.00016; gnomAD 0.00017 and 0.00018.
gnomAD v4.1: 166 of 1,613,832 alleles (0.01%); highest among the groups gnomAD compares: African/African-American, 0.035%; no homozygotes.

Submissions (2):

Labcorp Genetics (formerly Invitae), Labcorp
Classification: Uncertain significance for Cataract 19 multiple types. Last evaluated: 2025-09-02. Review status: criteria provided, single submitter. Criteria: Invitae Variant Classification Sherloc (09022015). Collection method: clinical testing. Allele origin: germline.
Comment: This sequence change replaces arginine, which is basic and polar, with histidine, which is basic and polar, at codon 136 of the LIM2 protein (p.Arg136His). This variant is present in population databases (rs770425768, gnomAD 0.04%). This variant has not been reported in the literature in individuals affected with LIM2-related conditions. ClinVar contains an entry for this variant (Variation ID: 1345456). An algorithm developed to predict the effect of missense changes on protein structure and function (PolyPhen-2) suggests that this variant is likely to be disruptive. In summary, the available evidence is currently insufficient to determine the role of this variant in disease. Therefore, it has been classified as a Variant of Uncertain Significance.

GeneDx
Classification: Uncertain significance. Last evaluated: 2022-06-22. Review status: criteria provided, single submitter. Criteria: GeneDx Variant Classification Process June 2021. Collection method: clinical testing. Allele origin: germline. Affected: yes.
Comment: In silico analysis supports that this missense variant has a deleterious effect on protein structure/function; Has not been previously published as pathogenic or benign to our knowledge

NM_001161748.2(LIM2):c.281G>A (p.Arg94His)

Gene: LIM2 (lens intrinsic membrane protein 2; minus strand). Cytogenetic location: 19q13.41.
Variant type: single nucleotide variant.
Coding change: c.281G>A on transcript NM_001161748.2 (MANE Select); coding-DNA position 281, G replaced by A.
Protein change: p.Arg94His; replaces arginine 94 with histidine.
Molecular consequence: missense variant.
Genome position (GRCh38, 1-based): chr19:51,382,462, C>T on the plus strand (G>A on the coding strand, the complement: LIM2 is on the minus strand). VCF-style: chr19-51382462-C-T. GRCh37 (hg19) VCF-style: chr19-51885716-C-T.
Other names: c.407G>A, p.Arg136His (NM_030657.4); short protein forms R136H, R94H.
Identifiers: ClinVar variation 1345456 (VCV001345456.7), dbSNP rs770425768, ClinGen allele CA9611532.
Genomic context (GRCh38, chr19:51,382,462, plus strand): 5'-GGGTGGGCTTACTCACTTGAGGAAAAAAACATGATGCCAGCAGAGAAGGGCCGGGAGATG[C>T]GGGAGAAGGTAGGCTGATGAGCGAAGGCCATGATGCCCATGATGATGCCGGAGATGGCGC-3'
Protein context (NP_001155220.1, residues 84-104): MAFAHQPTFS[Arg94His]ISRPFSAGIM